The following is an entry in ClinVar:

NM_017763.6(RNF43):c.1865C>T (p.Pro622Leu)

Gene: RNF43 (ring finger protein 43; minus strand). Cytogenetic location: 17q22.
Variant type: single nucleotide variant.
Coding change: c.1865C>T on transcript NM_017763.6 (MANE Select); coding-DNA position 1865, C replaced by T.
Protein change: p.Pro622Leu; replaces proline 622 with leucine.
Molecular consequence: missense variant.
Genome position (GRCh38, 1-based): chr17:58,357,911, G>A on the plus strand (C>T on the coding strand, the complement: RNF43 is on the minus strand). VCF-style: chr17-58357911-G-A. GRCh37 (hg19) VCF-style: chr17-56435272-G-A.
Other names: c.1865C>T, p.Pro622Leu (NM_001305544.3); c.1484C>T, p.Pro495Leu (NM_001305545.2); short protein forms P495L, P622L.
Identifiers: ClinVar variation 3390813 (VCV003390813.1).

ClinVar aggregate classification (germline): Uncertain significance (1 of 4 stars; one submission).

Submission:

GeneDx
Classification: Uncertain significance. Last evaluated: 2024-06-10. Review status: criteria provided, single submitter. Criteria: GeneDx Variant Classification Process June 2021. Collection method: clinical testing. Allele origin: germline. Affected: yes.
Comment: Not observed at significant frequency in large population cohorts (gnomAD); In silico analysis supports that this missense variant has a deleterious effect on protein structure/function; Has not been previously published as pathogenic or benign to our knowledge; Variants in candidate genes are classified as variants of uncertain significance in accordance with ACMG guidelines (PMID: 25741868)